The following is an entry in ClinVar:

ClinVar aggregate classification (germline): Conflicting classifications of pathogenicity. Review status: criteria provided, conflicting classifications (1 of 4 stars). 2 submissions from 2 submitters: Uncertain significance (1); Likely benign (1). Last evaluated 2023-03-23.

Conditions:
Hereditary cancer-predisposing syndrome. Also called: Hereditary Cancer Syndrome; Tumor predisposition; Hereditary neoplastic syndrome; Neoplastic Syndromes, Hereditary. Identifiers: Orphanet 140162, MedGen C0027672, MeSH D009386, MONDO:0015356.
Hereditary breast ovarian cancer syndrome. Also called: Hereditary breast and/or ovarian cancer syndrome; Hereditary breast and ovarian cancer syndrome; Hereditary breast and ovarian cancer syndrome (HBOC); Breast and ovarian cancer; Hereditary breast and ovarian cancer; BRCA1- and BRCA2-Associated Hereditary Breast and Ovarian Cancer. Identifiers: Orphanet 145, MedGen C0677776, MeSH D061325, MONDO:0003582. Disease mechanism: loss of function.

Submissions (2):

University of Washington Department of Laboratory Medicine, University of Washington
Classification: Likely benign for Hereditary cancer-predisposing syndrome. Last evaluated: 2023-03-23. Review status: criteria provided, single submitter. Criteria: Dines et al. (Genet Med. 2020). Collection method: curation. Allele origin: germline.
Comment: Missense variant in a coldspot region where missense variants are very unlikely to be pathogenic (PMID:31911673).

BRCA2 exon 11 coldspot. Reclassification based on statistical prior probability.

Labcorp Genetics (formerly Invitae), Labcorp
Classification: Uncertain significance for Hereditary breast ovarian cancer syndrome. Last evaluated: 2020-03-01. Review status: criteria provided, single submitter. Criteria: Invitae Variant Classification Sherloc (09022015). Collection method: clinical testing. Allele origin: germline.
Comment: In summary, the available evidence is currently insufficient to determine the role of this variant in disease. Therefore, it has been classified as a Variant of Uncertain Significance. Algorithms developed to predict the effect of missense changes on protein structure and function are either unavailable or do not agree on the potential impact of this missense change (SIFT: "Tolerated"; PolyPhen-2: "Possibly Damaging"; Align-GVGD: "Class C0"). This variant has not been reported in the literature in individuals with BRCA2-related conditions. This variant is not present in population databases (ExAC no frequency). This sequence change replaces lysine with asparagine at codon 1180 of the BRCA2 protein (p.Lys1180Asn). The lysine residue is moderately conserved and there is a moderate physicochemical difference between lysine and asparagine.

NM_000059.4(BRCA2):c.3540G>T (p.Lys1180Asn)

Gene: BRCA2 (BRCA2 DNA repair associated; plus strand). Cytogenetic location: 13q13.1.
Variant type: single nucleotide variant.
Coding change: c.3540G>T on transcript NM_000059.4 (MANE Select); coding-DNA position 3540, G replaced by T.
Protein change: p.Lys1180Asn; replaces lysine 1180 with asparagine.
Molecular consequence: missense variant.
Genome position (GRCh38, 1-based): chr13:32,337,895, G>T. VCF-style: chr13-32337895-G-T. GRCh37 (hg19) VCF-style: chr13-32912032-G-T.
Other names: short protein forms K1180N.
Identifiers: ClinVar variation 1044682 (VCV001044682.10), dbSNP rs864622363, ClinGen allele CA387777157.